The following is an entry in ClinVar:

ClinVar aggregate classification (germline): Likely benign (1 of 4 stars; one submission).

gnomAD v4.1: 79 of 1,613,868 alleles (0.0049%); highest among the groups gnomAD compares: Middle Eastern, 0.033%; no homozygotes.

Submission:

Mayo Clinic Laboratories, Mayo Clinic
Classification: Likely benign. Last evaluated: 2025-08-07. Review status: criteria provided, single submitter. Criteria: ACMG Guidelines, 2015. Collection method: clinical testing. Allele origin: germline. Observed: 1 variant allele.
Comment: BP4, BP7

NM_005050.4(ABCD4):c.719+21C>A

Gene: ABCD4 (ATP binding cassette subfamily D member 4; minus strand). Cytogenetic location: 14q24.3.
Variant type: single nucleotide variant.
Coding change: c.719+21C>A on transcript NM_005050.4 (MANE Select); 21 bases into the intron after coding-DNA position 719, C replaced by A.
Molecular consequence: intron variant.
Genome position (GRCh38, 1-based): chr14:74,295,127, G>T on the plus strand (C>A on the coding strand, the complement: ABCD4 is on the minus strand). VCF-style: chr14-74295127-G-T. GRCh37 (hg19) VCF-style: chr14-74761830-G-T.
Other names: p.?; c.25+21C>A (NM_001353607.2, NM_001353604.2, NM_001353603.2 and 6 more transcripts); c.242+21C>A (NM_001353598.2, NM_001440755.1, NM_001353601.2 and 3 more transcripts); c.407+727C>A (NM_001353594.2); c.458+21C>A (NM_001353593.2); c.446+21C>A (NM_001440754.1); c.254+727C>A (NM_001353597.2); c.305+21C>A (NM_001353596.2, NM_001353595.2); and 2 more.
Identifiers: ClinVar variation 4683900 (VCV004683900.1).